The following is an entry in ClinVar:

NM_199420.4(POLQ):c.1277A>C (p.Asp426Ala)

Gene: POLQ (DNA polymerase theta; minus strand). Cytogenetic location: 3q13.33.
Variant type: single nucleotide variant.
Coding change: c.1277A>C on transcript NM_199420.4 (MANE Select); coding-DNA position 1277, A replaced by C.
Protein change: p.Asp426Ala; replaces aspartic acid 426 with alanine.
Molecular consequence: missense variant.
Genome position (GRCh38, 1-based): chr3:121,520,062, T>G on the plus strand (A>C on the coding strand, the complement: POLQ is on the minus strand). VCF-style: chr3-121520062-T-G. GRCh37 (hg19) VCF-style: chr3-121238909-T-G.
Other names: short protein forms D426A.
Identifiers: ClinVar variation 3308559 (VCV003308559.1).
Genomic context (GRCh38, chr3:121,520,062, plus strand): 5'-AGAGTAGAAGTTGCCGCCAAGACCCGAATGAGACCTTGACGAAAGGCTCCTTCAATGATA[T>G]CCCTCTCCTCAAAAGTAAGACCTAAAAAAAGGAGGTTTTTATATATTTATTGATATATAA-3'
Protein context (NP_955452.3, residues 416-436): HHAGLTFEER[Asp426Ala]IIEGAFRQGL

ClinVar aggregate classification (germline): Uncertain significance (1 of 4 stars; one submission).

gnomAD v4.1: 1 of 1,611,278 alleles (0.000062%); highest among the groups gnomAD compares: Non-Finnish European, 0.000085%; no homozygotes.

Submission:

Ambry Genetics
Classification: Uncertain significance. Last evaluated: 2024-06-11. Review status: criteria provided, single submitter. Criteria: Ambry Variant Classification Scheme 2023. Collection method: clinical testing. Allele origin: germline.
Comment: The p.D426A variant (also known as c.1277A>C), located in coding exon 9 of the POLQ gene, results from an A to C substitution at nucleotide position 1277. The aspartic acid at codon 426 is replaced by alanine, an amino acid with dissimilar properties. This amino acid position is conserved. In addition, the in silico prediction for this alteration is inconclusive. Based on the available evidence, the clinical significance of this variant remains unclear.